The following is an entry in ClinVar:

NM_000238.4(KCNH2):c.387C>T (p.Phe129=)

Gene: KCNH2 (potassium voltage-gated channel subfamily H member 2; minus strand). Cytogenetic location: 7q36.1.
Variant type: single nucleotide variant.
Coding change: c.387C>T on transcript NM_000238.4 (MANE Select); coding-DNA position 387, C replaced by T.
Protein change: p.Phe129=; no amino-acid change (phenylalanine 129 retained).
Molecular consequence: synonymous variant. On other transcripts: non-coding transcript variant (1).
Genome position (GRCh38, 1-based): chr7:150,959,657, G>A on the plus strand (C>T on the coding strand, the complement: KCNH2 is on the minus strand). VCF-style: chr7-150959657-G-A. GRCh37 (hg19) VCF-style: chr7-150656745-G-A.
Other names: c.99C>T, p.Phe33= (NM_001406753.1, NM_001406756.1); c.210C>T, p.Phe70= (NM_001406755.1); c.87C>T, p.Phe29= (NM_001406757.1); c.387C>T, p.Phe129= (NM_172056.3).
Identifiers: ClinVar variation 382264 (VCV000382264.17), dbSNP rs764831888, ClinGen allele CA039243.

ClinVar aggregate classification (germline): Likely benign. Review status: criteria provided, multiple submitters, no conflicts (2 of 4 stars). 5 submissions from 5 submitters: Likely benign (5). Last evaluated 2025-02-04.

Conditions:
Cardiovascular phenotype. Identifiers: MedGen CN230736.
Cardiac arrhythmia. Also called: Cardiac rhythm disease; Arrhythmia. Identifiers: MedGen C0003811, MONDO:0007263, HP:0011675.
Long QT syndrome (LQTS). Identifiers: MedGen C0023976, MeSH D008133, MONDO:0002442. Disease mechanism: loss of function. Inheritance: Various modes of inheritance.

Allele frequency attached by ClinVar (database versions not stated): gnomAD 0.00001 and 0.00002; ExAC 0.00002; gnomAD exomes 0.00002; TOPMed 0.00002.
gnomAD v4.1: 30 of 1,614,042 alleles (0.0019%); highest among the groups gnomAD compares: South Asian, 0.0044%; no homozygotes.

Submissions (5):

Labcorp Genetics (formerly Invitae), Labcorp
Classification: Likely benign for Long QT syndrome. Last evaluated: 2025-02-04. Review status: criteria provided, single submitter. Criteria: Invitae Variant Classification Sherloc (09022015). Collection method: clinical testing. Allele origin: germline.

All of Us Research Program, National Institutes of Health
Classification: Likely benign for Long QT syndrome. Last evaluated: 2023-11-28. Review status: criteria provided, single submitter. Criteria: ACMG Guidelines, 2015. Collection method: clinical testing. Allele origin: germline. Inheritance: Autosomal dominant inheritance. Observed: 6 variant alleles, 6 heterozygotes.
Comment: This study involves interpretation of variants in research participants for the purpose of population health screening. Participant phenotype was not available at the time of variant classification. Additional details can be found in publication PMID: 35346344, PMCID: PMC8962531

Ambry Genetics
Classification: Likely benign for Cardiovascular phenotype. Last evaluated: 2020-03-10. Review status: criteria provided, single submitter. Criteria: Ambry Variant Classification Scheme 2023. Collection method: clinical testing. Allele origin: germline.

Color Diagnostics, LLC DBA Color Health
Classification: Likely benign for Arrhythmia. Last evaluated: 2019-03-19. Review status: criteria provided, single submitter. Criteria: ACMG Guidelines, 2015. Collection method: clinical testing. Allele origin: germline.

GeneDx
Classification: Likely benign. Last evaluated: 2015-12-12. Review status: criteria provided, single submitter. Criteria: GeneDx Variant Classification (06012015). Collection method: clinical testing. Allele origin: germline. Affected: yes.
Comment: This variant is considered likely benign or benign based on one or more of the following criteria: it is a conservative change, it occurs at a poorly conserved position in the protein, it is predicted to be benign by multiple in silico algorithms, and/or has population frequency not consistent with disease.